The following is an entry in ClinVar:

NC_000004.11:g.(?_980871)_(985491_?)dup

Genes: SLC26A1 (solute carrier family 26 member 1; minus strand), IDUA (alpha-L-iduronidase; plus strand). Cytogenetic location: 4p16.3.
Variant type: Duplication.
Identifiers: ClinVar variation 2422583 (VCV002422583.4).

ClinVar aggregate classification (germline): Uncertain significance (1 of 4 stars; one submission).

Conditions:
Mucopolysaccharidosis type 1. Also called: IDUA deficiency; MPS I. Identifiers: Orphanet 579, MedGen C0023786, MONDO:0001586.

Submission:

Labcorp Genetics (formerly Invitae), Labcorp
Classification: Uncertain significance for Mucopolysaccharidosis type 1. Last evaluated: 2022-06-04. Review status: criteria provided, single submitter. Criteria: Invitae Variant Classification Sherloc (09022015). Collection method: clinical testing. Allele origin: germline.
Comment: This variant results in a copy number gain of the genomic region encompassing exon(s) 1-2 of the IDUA gene. This region includes the initiator codon of the gene. This copy number gain extends beyond the assayed region for this gene and therefore may encompass additional genes. As the precise location of this event is unknown, it may be in tandem or it may be located elsewhere in the genome. This variant has not been reported in the literature in individuals affected with IDUA-related conditions. Experimental studies and prediction algorithms are not available or were not evaluated, and the functional significance of this variant is currently unknown. In summary, the available evidence is currently insufficient to determine the role of this variant in disease. Therefore, it has been classified as a Variant of Uncertain Significance.